The following is an entry in ClinVar:

ClinVar aggregate classification (germline): Uncertain significance (1 of 4 stars; one submission).

Submission:

Labcorp Genetics (formerly Invitae), Labcorp
Classification: Uncertain significance. Last evaluated: 2023-08-04. Review status: criteria provided, single submitter. Criteria: Invitae Variant Classification Sherloc (09022015). Collection method: clinical testing. Allele origin: germline.
Comment: In summary, the available evidence is currently insufficient to determine the role of this variant in disease. Therefore, it has been classified as a Variant of Uncertain Significance. Algorithms developed to predict the effect of missense changes on protein structure and function output the following: SIFT: "Not Available"; PolyPhen-2: "Benign"; Align-GVGD: "Not Available". The isoleucine amino acid residue is found in multiple mammalian species, which suggests that this missense change does not adversely affect protein function. ClinVar contains an entry for this variant (Variation ID: 1931852). This variant has not been reported in the literature in individuals affected with SON-related conditions. This variant is present in population databases (no rsID available, gnomAD 0.003%). This sequence change replaces valine, which is neutral and non-polar, with isoleucine, which is neutral and non-polar, at codon 489 of the SON protein (p.Val489Ile).

NM_138927.4(SON):c.1465G>A (p.Val489Ile)

Genes: MIR6501 (microRNA 6501; plus strand), SON (SON DNA and RNA binding protein; plus strand). Cytogenetic location: 21q22.11.
Variant type: single nucleotide variant.
Coding change: c.1465G>A on transcript NM_138927.4 (MANE Select); coding-DNA position 1465, G replaced by A.
Protein change: p.Val489Ile; replaces valine 489 with isoleucine.
Molecular consequence: missense variant. On other transcripts: non-coding transcript variant (2), intron variant (1).
Genome position (GRCh38, 1-based): chr21:33,550,696, G>A. VCF-style: chr21-33550696-G-A. GRCh37 (hg19) VCF-style: chr21-34923002-G-A.
Other names: c.1465G>A, p.Val489Ile (NM_001291411.2, NM_001412133.1, NM_032195.3 and 2 more transcripts); c.244+4317G>A (NM_001291412.3); short protein forms V489I.
Identifiers: ClinVar variation 1931852 (VCV001931852.5), dbSNP rs192269145, ClinGen allele CA410154009.
Genomic context (GRCh38, chr21:33,550,696, plus strand): 5'-GTACCAGAGCCACCTGTGATGGCACAGGAGTTGCCAGGGCTGCCTTTGGTGACAGCAGCA[G>A]TAGAGTTGCCAGAGCAGCCTGCGGTAACAGTAGCAATGGAGTTGACCGAACAACCTGTGA-3'
Protein context (NP_620305.3, residues 479-499): LPGLPLVTAA[Val489Ile]ELPEQPAVTV